The following is an entry in ClinVar:

NM_001367721.1(CASK):c.2440del (p.Ala814fs)

Gene: CASK (calcium/calmodulin dependent serine protein kinase; minus strand). Cytogenetic location: Xp11.4.
Variant type: Deletion.
Coding change: c.2440del on transcript NM_001367721.1 (MANE Select); coding-DNA position 2440, one base deleted (G; older notation c.2440delG).
Protein change: p.Ala814fs; shifts the reading frame from alanine 814.
Molecular consequence: frameshift variant.
Genome position (GRCh38, 1-based): chrX:41,531,087, C deleted on the plus strand (G on the coding strand, the reverse complement: CASK is on the minus strand). VCF-style (leftmost placement, unchanged base first): chrX-41531086-GC-G. GRCh37 (hg19) VCF-style: chrX-41390339-GC-G.
Other names: c.2356del, p.Ala786fs (NM_001126054.3); c.2353del, p.Ala785fs (NM_001126055.3); c.2422del, p.Ala808fs (NM_001410745.1); c.2425del, p.Ala809fs (NM_003688.4); short protein forms A785fs, A786fs, A808fs, A809fs, A814fs.
Identifiers: ClinVar variation 2630033 (VCV002630033.1), dbSNP rs2519688140, ClinGen allele CA2695200178.

ClinVar aggregate classification (germline): Likely pathogenic (1 of 4 stars; one submission).

Conditions:
CASK-related disorder. Also called: CASK-related disorders; CASK-related condition.

Submission:

PreventionGenetics, part of Exact Sciences
Classification: Likely pathogenic for CASK-related condition. Last evaluated: 2022-12-22. Review status: criteria provided, single submitter. Criteria: ACMG Guidelines, 2015. Collection method: clinical testing. Allele origin: germline.
Comment: The CASK c.2425delG variant is predicted to result in a frameshift and premature protein termination (p.Ala809Argfs*18). To our knowledge, this variant has not been reported in the literature or in a large population database, indicating this variant is rare. Frameshift variants in CASK are expected to be pathogenic. This variant is interpreted as likely pathogenic.